The following is an entry in ClinVar:

NM_004937.3(CTNS):c.1075_1076del (p.Lys359fs)

Gene: CTNS (cystinosin, lysosomal cystine transporter; plus strand). Cytogenetic location: 17p13.2.
Variant type: Deletion.
Coding change: c.1075_1076del on transcript NM_004937.3 (MANE Select); coding-DNA positions 1075 to 1076, 2 bases deleted (AA; older notation c.1075_1076delAA).
Protein change: p.Lys359fs; shifts the reading frame from lysine 359.
Molecular consequence: frameshift variant.
Genome position (GRCh38, 1-based): chr17:3,660,340-3,660,341, AA deleted; deleting any 2 consecutive bases within chr17:3,660,339-3,660,341 gives the same sequence; the c. name uses the placement nearest the transcript's 3' end. VCF-style (leftmost placement, unchanged base first): chr17-3660338-GAA-G. GRCh37 (hg19) VCF-style: chr17-3563632-GAA-G.
Other names: c.1075_1076del, p.Lys359fs (NM_001031681.3, NM_001374492.1); c.634_635del, p.Lys212fs (NM_001374493.1, NM_001374494.1, NM_001374495.1 and 1 more transcripts); short protein forms K359fs, K212fs.
Identifiers: ClinVar variation 554648 (VCV000554648.3), dbSNP rs779451531, ClinGen allele CA8292029.

ClinVar aggregate classification (germline): Uncertain significance. Review status: criteria provided, single submitter (1 of 4 stars). 2 submissions from 2 submitters: Uncertain significance (1). 1 of the submissions does not count toward it. Last evaluated 2026-08-06.

Conditions:
Nephropathic cystinosis (CTNS). Also called: CYSTINOSIN, DEFECT OF; LYSOSOMAL CYSTINE TRANSPORT PROTEIN, DEFECT OF; Abderhalden Lignac Kaufmann disease; Abderhalden-Kaufmann-Lignac syndrome. Identifiers: Orphanet 213, Orphanet 411629, MedGen C2931187, MONDO:0100151, OMIM 219800.

Submissions (2):

OLLIN Analises Genomicas, OLLIN
Classification: Uncertain significance for Nephropathic cystinosis. Last evaluated: 2026-08-06. Review status: criteria provided, single submitter. Criteria: ACMG Guidelines 2015 PMID 25741868. Collection method: clinical testing. Allele origin: germline. Inheritance: Autosomal recessive inheritance.
Comment: This frameshift variant, located in exon 12 (of 12), has been reported in ClinVar (accession VCV000554648.2) and in gnomAD with an allele frequency of 0.00025%. However, to our knowledge, it has not been reported in the scientific literature. This variant causes a frameshift and introduces a premature stop codon, which is predicted to result in either a truncated protein or degradation of the mRNA via nonsense-mediated decay (NMD). According to the currently available evidence, this variant has been classified as uncertain significance (PVS1_S, PM2_P).

Counsyl
Classification: Uncertain significance for Nephropathic cystinosis. Last evaluated: 2017-10-31. Review status: no assertion criteria provided. Collection method: clinical testing. Allele origin: unknown. Not counted in ClinVar's aggregate classification.